The following is an entry in ClinVar:

NM_000383.4(AIRE):c.1450G>A (p.Val484Met)

Gene: AIRE (autoimmune regulator; plus strand). Cytogenetic location: 21q22.3.
Variant type: single nucleotide variant.
Coding change: c.1450G>A on transcript NM_000383.4 (MANE Select); coding-DNA position 1450, G replaced by A.
Protein change: p.Val484Met; replaces valine 484 with methionine.
Molecular consequence: missense variant.
Genome position (GRCh38, 1-based): chr21:44,294,450, G>A. VCF-style: chr21-44294450-G-A. GRCh37 (hg19) VCF-style: chr21-45714333-G-A.
Other names: short protein forms V484M.
Identifiers: ClinVar variation 550499 (VCV000550499.13), dbSNP rs367966318, ClinGen allele CA10052134.

ClinVar aggregate classification (germline): Uncertain significance. Review status: criteria provided, multiple submitters, no conflicts (2 of 4 stars). 7 submissions from 7 submitters: Uncertain significance (5). 2 of the submissions do not count toward it. Last evaluated 2026-05-28.

Conditions:
AIRE-related disorder. Also called: AIRE-related condition.
Polyglandular autoimmune syndrome, type 1 (APS1). Also called: Autoimmune polyendocrinopathy syndrome, type I; Autoimmune polyendocrine syndrome type 1; APS I; AUTOIMMUNE POLYENDOCRINE SYNDROME, TYPE I, WITH OR WITHOUT REVERSIBLE METAPHYSEAL DYSPLASIA; HYPOADRENOCORTICISM WITH HYPOPARATHYROIDISM AND SUPERFICIAL MONILIASIS; Whitaker syndrome. Identifiers: Orphanet 3453, MedGen C0085859, MONDO:0009411, OMIM 240300.

Allele frequency attached by ClinVar (database versions not stated): ESP Exome Variant Server 0.00008; gnomAD 0.00009 and 0.00010; gnomAD exomes 0.00009 and 0.00010; TOPMed 0.00011; ExAC 0.00029.
gnomAD v4.1: 147 of 1,572,530 alleles (0.0093%); highest among the groups gnomAD compares: Middle Eastern, 0.017%; no homozygotes.

Submissions (7):

PreventionGenetics, part of Exact Sciences
Classification: Uncertain significance for AIRE-related condition. Last evaluated: 2026-05-28. Review status: criteria provided, single submitter. Criteria: ACMG Guidelines, 2015. Collection method: clinical testing. Allele origin: germline.
Comment: The AIRE c.1450G>A variant is predicted to result in the amino acid substitution p.Val484Met. This variant was reported in the heterozygous state in an individual with autoimmune polyendocrinopathy-candidiasis-ectodermal dystrophy (APECED), however the individual's unaffected mother also harbored the variant (Buzi et al. 2003. PubMed ID: 12843157). This variant was also reported in the heterozygous state in an individual with autoimmune lymphoproliferative syndrome like (ALPS-like) disorder and was classified as a variant of uncertain significance (Grossi et al. 2021. PubMed ID: 34573280). This variant is reported in 0.023% of alleles in individuals of Ashkenazi Jewish descent in gnomAD. At this time, the clinical significance of this variant is uncertain due to the absence of conclusive functional and genetic evidence.

Blueprint Genetics
Classification: Uncertain significance. Last evaluated: 2024-11-22. Review status: criteria provided, single submitter. Criteria: ACMG Guidelines, 2015. Collection method: clinical testing. Allele origin: germline.

Labcorp Genetics (formerly Invitae), Labcorp
Classification: Uncertain significance for Polyglandular autoimmune syndrome, type 1. Last evaluated: 2024-08-12. Review status: criteria provided, single submitter. Criteria: Invitae Variant Classification Sherloc (09022015). Collection method: clinical testing. Allele origin: germline.
Comment: This sequence change replaces valine, which is neutral and non-polar, with methionine, which is neutral and non-polar, at codon 484 of the AIRE protein (p.Val484Met). This variant is present in population databases (rs367966318, gnomAD 0.02%). This missense change has been observed in individual(s) with AIRE-related conditions (PMID: 12843157, 26084028, 34573280). ClinVar contains an entry for this variant (Variation ID: 550499). Advanced modeling of protein sequence and biophysical properties (such as structural, functional, and spatial information, amino acid conservation, physicochemical variation, residue mobility, and thermodynamic stability) has been performed at Invitae for this missense variant, however the output from this modeling did not meet the statistical confidence thresholds required to predict the impact of this variant on AIRE protein function. In summary, the available evidence is currently insufficient to determine the role of this variant in disease. Therefore, it has been classified as a Variant of Uncertain Significance.

Women's Health and Genetics/Laboratory Corporation of America, LabCorp
Classification: Uncertain significance. Last evaluated: 2022-08-24. Review status: criteria provided, single submitter. Criteria: LabCorp Variant Classification Summary - May 2015. Collection method: clinical testing. Allele origin: germline.
Comment: Variant summary: AIRE c.1450G>A (p.Val484Met) results in a conservative amino acid change in the encoded protein sequence. Five of five in-silico tools predict a benign effect of the variant on protein function. The variant allele was found at a frequency of 0.00011 in 215656 control chromosomes (gnomAD). This frequency is not significantly higher than expected for a pathogenic variant in AIRE causing Autoimmune Polyglandular Syndrome Type 1 (0.00011 vs 0.0028), allowing no conclusion about variant significance. c.1450G>A has been reported in the literature in individuals affected with Autoimmune Disorders/Immunodeficiencies (Buzi_2003, Grossi_2021). These reports do not provide unequivocal conclusions about association of the variant with Autoimmune Polyglandular Syndrome Type 1. To our knowledge, no experimental evidence demonstrating an impact on protein function has been reported. Three ClinVar submitters have assessed the variant since 2014: all classified the variant as of uncertain significance. Based on the evidence outlined above, the variant was classified as uncertain significance.

Fulgent Genetics
Classification: Uncertain significance for Polyglandular autoimmune syndrome, type 1. Last evaluated: 2022-04-25. Review status: criteria provided, single submitter. Criteria: ACMG Guidelines, 2015. Collection method: clinical testing. Allele origin: unknown.

Natera, Inc.
Classification: Uncertain significance for Polyglandular autoimmune syndrome type 1. Last evaluated: 2020-01-21. Review status: no assertion criteria provided. Collection method: clinical testing. Allele origin: germline. Not counted in ClinVar's aggregate classification.

Counsyl
Classification: Uncertain significance for Polyglandular autoimmune syndrome, type 1. Last evaluated: 2017-01-30. Review status: no assertion criteria provided. Collection method: clinical testing. Allele origin: unknown. Not counted in ClinVar's aggregate classification.

Literature cited by the submitters: PubMed 12843157 (cited by 3 submitters); PubMed 26084028 (cited by Labcorp Genetics (formerly Invitae), Labcorp and Counsyl); PubMed 34573280 (cited by Labcorp Genetics (formerly Invitae), Labcorp and Women's Health and Genetics/Laboratory Corporation of America, LabCorp).